The following is an entry in ClinVar:

NM_002016.2(FLG):c.11313A>G (p.Gly3771=)

Genes: CCDST (cervical cancer associated DHX9 suppressive transcript; plus strand), FLG (filaggrin; minus strand). Cytogenetic location: 1q21.3.
Variant type: single nucleotide variant.
Coding change: c.11313A>G on transcript NM_002016.2 (MANE Select); coding-DNA position 11313, A replaced by G.
Protein change: p.Gly3771=; no amino-acid change (glycine 3771 retained).
Molecular consequence: synonymous variant.
Genome position (GRCh38, 1-based): chr1:152,303,573, T>C on the plus strand (A>G on the coding strand, the complement: FLG is on the minus strand). VCF-style: chr1-152303573-T-C. GRCh37 (hg19) VCF-style: chr1-152276049-T-C.
Identifiers: ClinVar variation 4873023 (VCV004873023.3).

ClinVar aggregate classification (germline): Likely benign. Review status: criteria provided, multiple submitters, no conflicts (2 of 4 stars). 2 submissions from 2 submitters: Likely benign (2). Last evaluated 2026-06-01.

Submissions (2):

CeGaT Center for Human Genetics Tuebingen
Classification: Likely benign. Last evaluated: 2026-06-01. Review status: criteria provided, single submitter. Criteria: CeGaT Center For Human Genetics Tuebingen Variant Classification Criteria Version 2. Collection method: clinical testing. Allele origin: germline. Affected: yes. Observed: 1 variant allele.
Comment: FLG: BP4, BP7

Blueprint Genetics
Classification: Likely benign. Last evaluated: 2024-11-15. Review status: criteria provided, single submitter. Criteria: ACMG Guidelines, 2015. Collection method: clinical testing. Allele origin: germline.